The following is an entry in ClinVar:

NM_001128840.3(CACNA1D):c.1834C>G (p.Pro612Ala)

Gene: CACNA1D (calcium voltage-gated channel subunit alpha1 D; plus strand). Cytogenetic location: 3p21.1.
Variant type: single nucleotide variant.
Coding change: c.1834C>G on transcript NM_001128840.3 (MANE Select); coding-DNA position 1834, C replaced by G.
Protein change: p.Pro612Ala; replaces proline 612 with alanine.
Molecular consequence: missense variant.
Genome position (GRCh38, 1-based): chr3:53,723,601, C>G. VCF-style: chr3-53723601-C-G. GRCh37 (hg19) VCF-style: chr3-53757628-C-G.
Other names: c.1894C>G, p.Pro632Ala (NM_000720.4); c.1834C>G, p.Pro612Ala (NM_001128839.3); short protein forms P632A, P612A.
Identifiers: ClinVar variation 2110932 (VCV002110932.4), dbSNP rs1281159662, ClinGen allele CA353237320.

ClinVar aggregate classification (germline): Uncertain significance (1 of 4 stars; one submission).

gnomAD v4.1: 4 of 1,613,980 alleles (0.00025%); highest among the groups gnomAD compares: South Asian, 0.0022%; no homozygotes.

Submission:

Labcorp Genetics (formerly Invitae), Labcorp
Classification: Uncertain significance. Last evaluated: 2022-03-13. Review status: criteria provided, single submitter. Criteria: Invitae Variant Classification Sherloc (09022015). Collection method: clinical testing. Allele origin: germline.
Comment: This variant has not been reported in the literature in individuals affected with CACNA1D-related conditions. Algorithms developed to predict the effect of missense changes on protein structure and function (SIFT, PolyPhen-2, Align-GVGD) all suggest that this variant is likely to be disruptive. In summary, the available evidence is currently insufficient to determine the role of this variant in disease. Therefore, it has been classified as a Variant of Uncertain Significance. This variant is not present in population databases (gnomAD no frequency). This sequence change replaces proline, which is neutral and non-polar, with alanine, which is neutral and non-polar, at codon 632 of the CACNA1D protein (p.Pro632Ala).